The following is an entry in ClinVar:

ClinVar aggregate classification (germline): Uncertain significance (1 of 4 stars; one submission).

gnomAD v4.1: 15 of 1,613,844 alleles (0.00093%); highest among the groups gnomAD compares: East Asian, 0.0067%; no homozygotes.

Submission:

Labcorp Genetics (formerly Invitae), Labcorp
Classification: Uncertain significance. Last evaluated: 2024-02-17. Review status: criteria provided, single submitter. Criteria: Invitae Variant Classification Sherloc (09022015). Collection method: clinical testing. Allele origin: germline.
Comment: This sequence change replaces arginine, which is basic and polar, with glutamine, which is neutral and polar, at codon 1057 of the ADCY5 protein (p.Arg1057Gln). This variant is present in population databases (rs139641136, gnomAD 0.007%). This variant has not been reported in the literature in individuals affected with ADCY5-related conditions. Advanced modeling of protein sequence and biophysical properties (such as structural, functional, and spatial information, amino acid conservation, physicochemical variation, residue mobility, and thermodynamic stability) has been performed at Invitae for this missense variant, however the output from this modeling did not meet the statistical confidence thresholds required to predict the impact of this variant on ADCY5 protein function. In summary, the available evidence is currently insufficient to determine the role of this variant in disease. Therefore, it has been classified as a Variant of Uncertain Significance.

NM_183357.3(ADCY5):c.3170G>A (p.Arg1057Gln)

Gene: ADCY5 (adenylate cyclase 5; minus strand). Cytogenetic location: 3q21.1.
Variant type: single nucleotide variant.
Coding change: c.3170G>A on transcript NM_183357.3 (MANE Select); coding-DNA position 3170, G replaced by A.
Protein change: p.Arg1057Gln; replaces arginine 1057 with glutamine.
Molecular consequence: missense variant.
Genome position (GRCh38, 1-based): chr3:123,291,270, C>T on the plus strand (G>A on the coding strand, the complement: ADCY5 is on the minus strand). VCF-style: chr3-123291270-C-T. GRCh37 (hg19) VCF-style: chr3-123010117-C-T.
Other names: c.2120G>A, p.Arg707Gln (NM_001199642.1); c.3245G>A, p.Arg1082Gln (NM_001378259.1); short protein forms R1057Q, R1082Q, R707Q.
Identifiers: ClinVar variation 3616737 (VCV003616737.2).